The following is an entry in ClinVar:

NM_002241.5(KCNJ10):c.806C>T (p.Pro269Leu)

Gene: KCNJ10 (potassium inwardly rectifying channel subfamily J member 10; minus strand). Cytogenetic location: 1q23.2.
Variant type: single nucleotide variant.
Coding change: c.806C>T on transcript NM_002241.5 (MANE Select); coding-DNA position 806, C replaced by T.
Protein change: p.Pro269Leu; replaces proline 269 with leucine.
Molecular consequence: missense variant.
Genome position (GRCh38, 1-based): chr1:160,041,727, G>A on the plus strand (C>T on the coding strand, the complement: KCNJ10 is on the minus strand). VCF-style: chr1-160041727-G-A. GRCh37 (hg19) VCF-style: chr1-160011517-G-A.
Other names: short protein forms P269L.
Identifiers: ClinVar variation 4805638 (VCV004805638.1).

ClinVar aggregate classification (germline): Uncertain significance (1 of 4 stars; one submission).

Conditions:
EAST syndrome (SESAMES). Also called: SEIZURES, SENSORINEURAL DEAFNESS, ATAXIA, IMPAIRED INTELLECTUAL DEVELOPMENT, AND ELECTROLYTE IMBALANCE. Identifiers: Orphanet 199343, MedGen C2748572, MONDO:0013005, OMIM 612780.

Submission:

Labcorp Genetics (formerly Invitae), Labcorp
Classification: Uncertain significance for EAST syndrome. Last evaluated: 2025-06-01. Review status: criteria provided, single submitter. Criteria: Invitae Variant Classification Sherloc (09022015). Collection method: clinical testing. Allele origin: germline.
Comment: This sequence change replaces proline, which is neutral and non-polar, with leucine, which is neutral and non-polar, at codon 269 of the KCNJ10 protein (p.Pro269Leu). This variant is not present in population databases (gnomAD no frequency). This variant has not been reported in the literature in individuals affected with KCNJ10-related conditions. Invitae Evidence Modeling of protein sequence and biophysical properties (such as structural, functional, and spatial information, amino acid conservation, physicochemical variation, residue mobility, and thermodynamic stability) indicates that this missense variant is not expected to disrupt KCNJ10 protein function with a negative predictive value of 95%. In summary, the available evidence is currently insufficient to determine the role of this variant in disease. Therefore, it has been classified as a Variant of Uncertain Significance.